The following is an entry in ClinVar:

NM_017633.3(TENT5A):c.136_137insACTTCGGCGGCGGCGACTTCGGCGGCGGCG (p.26DFGGG[6])

Gene: TENT5A (terminal nucleotidyltransferase 5A; minus strand). Cytogenetic location: 6q14.1.
Variant type: Insertion.
Coding change: c.136_137insACTTCGGCGGCGGCGACTTCGGCGGCGGCG on transcript NM_017633.3 (MANE Select); coding-DNA positions 136 to 137, ACTTCGGCGGCGGCGACTTCGGCGGCGGCG inserted.
Protein change: p.26DFGGG[6].
Molecular consequence: inframe insertion.
Genome position: GRCh38 VCF-style: chr6-81752005-C-CCGCCGCCGCCGAAGTCGCCGCCGCCGAAGT. GRCh37 (hg19) VCF-style: chr6-82461722-C-CCGCCGCCGCCGAAGTCGCCGCCGCCGAAGT.
Identifiers: ClinVar variation 1680609 (VCV001680609.5), dbSNP rs1314620718, ClinGen allele CA2573141268.
Genomic context (GRCh38, chr6:81,752,005, plus strand): 5'-AGCACATTGCAGTGCGCCGTAGGGCTTTCGCAATAGTCCAAGCAATGCCCACCGAAGCTG[C>CCGCCGCCGCCGAAGTCGCCGCCGCCGAAGT]CGCCACCGCCGAAGTCGCCGCCGCCGAAGTCGCCGCCGCCGAAGTCGCCGCCGCCGAAGT-3'

ClinVar aggregate classification (germline): Uncertain significance (1 of 4 stars; one submission).

Submission:

Labcorp Genetics (formerly Invitae), Labcorp
Classification: Uncertain significance. Last evaluated: 2022-07-21. Review status: criteria provided, single submitter. Criteria: Invitae Variant Classification Sherloc (09022015). Collection method: clinical testing. Allele origin: germline.
Comment: This variant, c.136_137insACTTCGGCGGCGGCGACTTCGGCGGCGGCG, results in the insertion of 10 amino acid(s) of the FAM46A protein (p.Asp36_Gly45dup), but otherwise preserves the integrity of the reading frame. This variant is not present in population databases (gnomAD no frequency). This variant has not been reported in the literature in individuals affected with FAM46A-related conditions. ClinVar contains an entry for this variant (Variation ID: 1680609). Experimental studies and prediction algorithms are not available or were not evaluated, and the functional significance of this variant is currently unknown. In summary, the available evidence is currently insufficient to determine the role of this variant in disease. Therefore, it has been classified as a Variant of Uncertain Significance.